The following is an entry in ClinVar:

NM_000492.4(CFTR):c.3979G>A (p.Val1327Met)

Gene: CFTR (CF transmembrane conductance regulator; plus strand). Cytogenetic location: 7q31.2.
Variant type: single nucleotide variant.
Coding change: c.3979G>A on transcript NM_000492.4 (MANE Select); coding-DNA position 3979, G replaced by A.
Protein change: p.Val1327Met; replaces valine 1327 with methionine.
Molecular consequence: missense variant.
Genome position (GRCh38, 1-based): chr7:117,664,703, G>A. VCF-style: chr7-117664703-G-A. GRCh37 (hg19) VCF-style: chr7-117304757-G-A.
Other names: short protein forms V1327M.
Identifiers: ClinVar variation 4530900 (VCV004530900.1).

ClinVar aggregate classification (germline): Uncertain significance (1 of 4 stars; one submission).

Submission:

GeneDx
Classification: Uncertain significance. Last evaluated: 2025-05-20. Review status: criteria provided, single submitter. Criteria: GeneDx Variant Classification Process June 2021. Collection method: clinical testing. Allele origin: germline. Affected: yes.
Comment: Not observed at significant frequency in large population cohorts (gnomAD); In silico analysis suggests that this missense variant does not alter protein structure/function; Has not been previously published as pathogenic or benign to our knowledge